The following is an entry in ClinVar:

NM_000059.4(BRCA2):c.4854T>A (p.Asp1618Glu)

Gene: BRCA2 (BRCA2 DNA repair associated; plus strand). Cytogenetic location: 13q13.1.
Variant type: single nucleotide variant.
Coding change: c.4854T>A on transcript NM_000059.4 (MANE Select); coding-DNA position 4854, T replaced by A.
Protein change: p.Asp1618Glu; replaces aspartic acid 1618 with glutamic acid.
Molecular consequence: missense variant.
Genome position (GRCh38, 1-based): chr13:32,339,209, T>A. VCF-style: chr13-32339209-T-A. GRCh37 (hg19) VCF-style: chr13-32913346-T-A.
Other names: 5082T>A; short protein forms D1618E.
Identifiers: ClinVar variation 51728 (VCV000051728.58), dbSNP rs80358708, ClinGen allele CA020918.

ClinVar aggregate classification (germline): Conflicting classifications of pathogenicity. Review status: criteria provided, conflicting classifications (1 of 4 stars). 14 submissions from 14 submitters: Uncertain significance (5); Likely benign (5). 4 of the submissions do not count toward it. Last evaluated 2026-01-29.

Conditions:
BRCA2-related cancer predisposition. Identifiers: MedGen CN377758, MONDO:0700269.
Hereditary cancer-predisposing syndrome. Also called: Hereditary Cancer Syndrome; Tumor predisposition; Neoplastic Syndromes, Hereditary; Hereditary neoplastic syndrome. Identifiers: Orphanet 140162, MedGen C0027672, MeSH D009386, MONDO:0015356.
Hereditary breast ovarian cancer syndrome. Also called: Breast and ovarian cancer; BRCA1- and BRCA2-Associated Hereditary Breast and Ovarian Cancer; Hereditary breast and ovarian cancer; Hereditary breast and ovarian cancer syndrome (HBOC); Hereditary breast and ovarian cancer syndrome; Hereditary breast and/or ovarian cancer syndrome. Identifiers: Orphanet 145, MedGen C0677776, MeSH D061325, MONDO:0003582. Disease mechanism: loss of function.
Breast-ovarian cancer, familial, susceptibility to, 2 (BROVCA2). Also called: BRCA2 Hereditary Breast and Ovarian Cancer. Identifiers: Orphanet 145, MedGen C2675520, MONDO:0012933, OMIM 612555. Disease mechanism: loss of function.

Allele frequency attached by ClinVar (database versions not stated): TOPMed below 0.00001; ExAC 0.00001; gnomAD 0.00001; gnomAD exomes 0.00002.
gnomAD v4.1: 26 of 1,613,466 alleles (0.0016%); highest among the groups gnomAD compares: East Asian, 0.056%; no homozygotes.

Submissions (14):

Labcorp Genetics (formerly Invitae), Labcorp
Classification: Likely benign for Hereditary breast ovarian cancer syndrome. Last evaluated: 2026-01-29. Review status: criteria provided, single submitter. Criteria: Invitae Variant Classification Sherloc (09022015). Collection method: clinical testing. Allele origin: germline.

Women's Health and Genetics/Laboratory Corporation of America, LabCorp
Classification: Likely benign. Last evaluated: 2024-03-07. Review status: criteria provided, single submitter. Criteria: LabCorp Variant Classification Summary - May 2015. Collection method: clinical testing. Allele origin: germline.
Comment: Variant summary: BRCA2 c.4854T>A (p.Asp1618Glu) results in a conservative amino acid change in the encoded protein sequence. Five of five in-silico tools predict a benign effect of the variant on protein function. The variant allele was found at a frequency of 1.6e-05 in 1613466 control chromosomes (gnomAD). This frequency is not significantly higher than estimated for a pathogenic variant in BRCA2 causing Hereditary Breast And Ovarian Cancer Syndrome (1.6e-05 vs 0.00075), allowing no conclusion about variant significance. c.4854T>A has been reported in the literature in sequencing studies originating from Korea and Japan among cases affected with Breast and Ovarian Cancer and in control individuals (Park_2016, Momozawa_2018, Choi_2018, Arai_2018). These report(s) do not provide unequivocal conclusions about association of the variant with Hereditary Breast and Ovarian Cancer. At-least one of these reports cites the co-occurrence of this variant among individual(s) with pathogenic BRCA mutations although the co-occurring alteration is not explicitly specified (Choi_2018). This variant is in a region where missense variants are unlikely to be pathogenic (Dines_2020). Consistent with this, one publication reports experimental evidence utilizing HDR assay that the variant showed no damaging effect (Guo_2023). The HDR assay qualifies as a standardized gold-standard assay based on the updated guidance provided by the ClinGen Sequence Variant Interpretation (SVI) Working Group (Brnich_2019). ClinGen SVI now recognizes benign functional evidence as sufficient for likely benign (Tavtigian_2018). The following publications have been ascertained in the context of this evaluation (PMID: 29176636, 29240602, 30287823, 27124784, 37731132, 31911673). ClinVar contains an entry for this variant (Variation ID: 51728). Based on the evidence outlined above, the variant was classified as likely benign.

All of Us Research Program, National Institutes of Health
Classification: Uncertain significance for Breast-ovarian cancer, familial, susceptibility to, 2. Last evaluated: 2024-02-05. Review status: criteria provided, single submitter. Criteria: ACMG Guidelines, 2015. Collection method: clinical testing. Allele origin: germline. Inheritance: Autosomal dominant inheritance. Observed: 3 variant alleles, 3 heterozygotes.
Comment: This missense variant replaces aspartic acid with glutamic acid at codon 1618 of the BRCA2 protein. Computational prediction suggests that this variant may not impact protein structure and function (internally defined REVEL score threshold <= 0.5, PMID: 27666373). To our knowledge, functional studies have not been reported for this variant. This variant has been reported in individuals affected with breast and/or ovarian cancer (PMID: 26402875, 27124784, 29176636, 29240602, 33078592). This variant has also been detected in breast, pancreatic and prostate cancer case-controls studies in the Japanese population, in which disease association could not be established (PMID: 30287823, 31214711, 32980694). In a large breast cancer case-control meta-analysis conducted by the BRIDGES consortium, this variant was reported in 9/60466 cases and 2/53461 unaffected controls (PMID: 33471991; Leiden Open Variation Database DB-ID BRCA2_000611). This variant has been identified in 6/249914 chromosomes in the general population by the Genome Aggregation Database (gnomAD). The available evidence is insufficient to determine the role of this variant in disease conclusively. Therefore, this variant is classified as a Variant of Uncertain Significance.

This study involves interpretation of variants in research participants for the purpose of population health screening. Participant phenotype was not available at the time of variant classification. Additional details can be found in publication PMID: 35346344, PMCID: PMC8962531

Color Diagnostics, LLC DBA Color Health
Classification: Uncertain significance for Hereditary cancer-predisposing syndrome. Last evaluated: 2023-11-16. Review status: criteria provided, single submitter. Criteria: ACMG Guidelines, 2015. Collection method: clinical testing. Allele origin: germline.
Comment: This missense variant replaces aspartic acid with glutamic acid at codon 1618 of the BRCA2 protein. Computational prediction suggests that this variant may not impact protein structure and function (internally defined REVEL score threshold <= 0.5, PMID: 27666373). To our knowledge, functional studies have not been reported for this variant. This variant has been reported in individuals affected with breast and/or ovarian cancer (PMID: 26402875, 27124784, 29176636, 29240602, 33078592). This variant has also been detected in breast, pancreatic and prostate cancer case-controls studies in the Japanese population, in which disease association could not be established (PMID: 30287823, 31214711, 32980694). In a large breast cancer case-control meta-analysis conducted by the BRIDGES consortium, this variant was reported in 9/60466 cases and 2/53461 unaffected controls (PMID: 33471991; Leiden Open Variation Database DB-ID BRCA2_000611). This variant has been identified in 6/249914 chromosomes in the general population by the Genome Aggregation Database (gnomAD). The available evidence is insufficient to determine the role of this variant in disease conclusively. Therefore, this variant is classified as a Variant of Uncertain Significance.

CeGaT Center for Human Genetics Tuebingen
Classification: Likely benign. Last evaluated: 2023-11-01. Review status: criteria provided, single submitter. Criteria: CeGaT Center For Human Genetics Tuebingen Variant Classification Criteria Version 2. Collection method: clinical testing. Allele origin: germline. Affected: yes. Observed: 1 variant allele.
Comment: BRCA2: BP1, BP4

Quest Diagnostics Nichols Institute San Juan Capistrano
Classification: Uncertain significance. Last evaluated: 2023-07-07. Review status: criteria provided, single submitter. Criteria: Quest Diagnostics criteria. Collection method: clinical testing. Allele origin: unknown.
Comment: In the published literature, this variant has been reported in individuals/families with breast and/or ovarian cancer (PMIDs: 33078592 (2020), 29240602 (2018), 29176636 (2018), 28111427 (2017), 27124784 (2016), 26402875 (2015)), and in healthy controls (PMIDs: 32467295 (2020), 30287823 (2018)). In an individual with breast and ovarian cancer, this variant co-occurred with a deleterious frameshift variant in the BRCA2 gene, suggesting it was not the primary cause of disease (PMID: 26402875 (2015)). This variant has been reported to be located in a region of the BRCA1 gene that is tolerant to missense sequence changes (PMID: 31911673 (2020)), and was characterized as being benign in multifactorial/likelihood ratio analysis studies (PMIDs: 31853058 (2020), 30415210 (2018)). However, this variant was also described as a variant of uncertain significance based on ACMG variant classification guidelines (PMID: 33078592 Ha (2020)). The frequency of this variant in the general population, 0.00033 (6/18376 chromosomes (Genome Aggregation Database)), is uninformative in the assessment of its pathogenicity. Analysis of this variant using bioinformatics tools for the prediction of the effect of amino acid changes on protein structure and function yielded predictions that this variant is benign. Based on the available information, we are unable to determine the clinical significance of this variant.

University of Washington Department of Laboratory Medicine, University of Washington
Classification: Likely benign for Hereditary cancer-predisposing syndrome. Last evaluated: 2023-03-23. Review status: criteria provided, single submitter. Criteria: Dines et al. (Genet Med. 2020). Collection method: curation. Allele origin: germline.
Comment: Missense variant in a coldspot region where missense variants are very unlikely to be pathogenic (PMID:31911673).

BRCA2 exon 11 coldspot. Reclassification based on statistical prior probability.

GeneDx
Classification: Uncertain significance. Last evaluated: 2023-03-15. Review status: criteria provided, single submitter. Criteria: GeneDx Variant Classification Process June 2021. Collection method: clinical testing. Allele origin: germline. Affected: yes.
Comment: In silico analysis supports that this missense variant has a deleterious effect on protein structure/function; Also known as 5082T>A; This variant is associated with the following publications: (PMID: 28111427, 27124784, 29176636, 29884841, 32377563, 32467295, 29240602, 33078592, 30287823, 31907386, 31853058)

Ambry Genetics
Classification: Likely benign for Hereditary cancer-predisposing syndrome. Last evaluated: 2022-12-15. Review status: criteria provided, single submitter. Criteria: Ambry Variant Classification Scheme 2023. Collection method: clinical testing. Allele origin: germline.

Department of Pathology and Laboratory Medicine, Sinai Health System
Classification: Uncertain significance for BRCA2-related cancer predisposition. Last evaluated: 2019-11-14. Review status: criteria provided, single submitter. Criteria: ACMG Guidelines, 2015. Collection method: clinical testing. Allele origin: germline. Affected: no.

BRCAlab, Lund University
Classification: Uncertain significance for Breast-ovarian cancer, familial, susceptibility to, 2. Last evaluated: 2020-03-02. Review status: no assertion criteria provided. Collection method: clinical testing. Allele origin: germline. Affected: yes. Not counted in ClinVar's aggregate classification.

Counsyl
Classification: Uncertain significance for Breast-ovarian cancer, familial, susceptibility to, 2. Last evaluated: 2016-10-31. Review status: no assertion criteria provided. Collection method: clinical testing. Allele origin: unknown. Not counted in ClinVar's aggregate classification.

Sharing Clinical Reports Project (SCRP)
Classification: Uncertain significance for Breast-ovarian cancer, familial 2. Last evaluated: 2011-10-14. Review status: no assertion criteria provided. Collection method: clinical testing. Allele origin: germline. Not counted in ClinVar's aggregate classification.

Breast Cancer Information Core (BIC) (BRCA2)
Classification: Uncertain significance for Breast-ovarian cancer, familial 2. Last evaluated: 2004-02-20. Review status: no assertion criteria provided. Collection method: clinical testing. Allele origin: germline. Affected: yes. Observed: 1 variant allele. Not counted in ClinVar's aggregate classification.

Literature cited by the submitters: PubMed 27124784 (cited by 6 submitters); PubMed 29176636 (cited by 6 submitters); PubMed 29240602 (cited by 6 submitters); PubMed 30287823 (cited by 6 submitters); PubMed 31911673 (cited by Women's Health and Genetics/Laboratory Corporation of America, LabCorp and Quest Diagnostics Nichols Institute San Juan Capistrano); PubMed 37731132 (cited by Women's Health and Genetics/Laboratory Corporation of America, LabCorp); PubMed 26402875 (cited by 3 submitters); PubMed 31214711 (cited by All of Us Research Program, National Institutes of Health and Color Diagnostics, LLC DBA Color Health); PubMed 32980694 (cited by All of Us Research Program, National Institutes of Health and Color Diagnostics, LLC DBA Color Health); PubMed 33078592 (cited by 3 submitters); PubMed 33471991 (cited by 3 submitters); PubMed 32467295 (cited by Quest Diagnostics Nichols Institute San Juan Capistrano); PubMed 31853058 (cited by Quest Diagnostics Nichols Institute San Juan Capistrano); PubMed 30415210 (cited by Quest Diagnostics Nichols Institute San Juan Capistrano); PubMed 28111427 (cited by Quest Diagnostics Nichols Institute San Juan Capistrano and Ambry Genetics).